The following is an entry in ClinVar:

NM_206933.4(USH2A):c.802G>C (p.Gly268Arg)

Gene: USH2A (usherin; minus strand). Cytogenetic location: 1q41.
Variant type: single nucleotide variant.
Coding change: c.802G>C on transcript NM_206933.4 (MANE Select); coding-DNA position 802, G replaced by C.
Protein change: p.Gly268Arg; replaces glycine 268 with arginine.
Molecular consequence: missense variant.
Genome position (GRCh38, 1-based): chr1:216,327,637, C>G on the plus strand (G>C on the coding strand, the complement: USH2A is on the minus strand). VCF-style: chr1-216327637-C-G. GRCh37 (hg19) VCF-style: chr1-216500979-C-G.
Other names: c.802G>C, p.Gly268Arg (NM_007123.6); short protein forms G268R.
Identifiers: ClinVar variation 2090409 (VCV002090409.5), dbSNP rs111033280, ClinGen allele CA344912899.

ClinVar aggregate classification (germline): Pathogenic. Review status: criteria provided, multiple submitters, no conflicts (2 of 4 stars). 2 submissions from 2 submitters: Pathogenic (2). Last evaluated 2022-12-25.

Conditions:
USH2A-related disorder. Also called: USH2A-related condition; USH2A-related disorders. Identifiers: MedGen CN239332.

Submissions (2):

Labcorp Genetics (formerly Invitae), Labcorp
Classification: Pathogenic. Last evaluated: 2022-12-25. Review status: criteria provided, single submitter. Criteria: Invitae Variant Classification Sherloc (09022015). Collection method: clinical testing. Allele origin: germline.
Comment: For these reasons, this variant has been classified as Pathogenic. Advanced modeling of protein sequence and biophysical properties (such as structural, functional, and spatial information, amino acid conservation, physicochemical variation, residue mobility, and thermodynamic stability) performed at Invitae indicates that this missense variant is expected to disrupt USH2A protein function. This missense change has been observed in individuals with Usher syndrome (PMID: 25356976, 29490346, 29625443). It has also been observed to segregate with disease in related individuals. This variant is not present in population databases (gnomAD no frequency). This sequence change replaces glycine, which is neutral and non-polar, with arginine, which is basic and polar, at codon 268 of the USH2A protein (p.Gly268Arg).

Blueprint Genetics
Classification: Pathogenic for USH2A-related disorders. Last evaluated: 2022-05-20. Review status: criteria provided, single submitter. Criteria: ACMG Guidelines, 2015. Collection method: clinical testing. Allele origin: germline. Affected: yes. Observed: 3 variant alleles.

Literature cited by the submitters: PubMed 25356976 (cited by Labcorp Genetics (formerly Invitae), Labcorp); PubMed 29490346 (cited by Labcorp Genetics (formerly Invitae), Labcorp); PubMed 29625443 (cited by Labcorp Genetics (formerly Invitae), Labcorp).